The following is an entry in ClinVar:

ClinVar aggregate classification (germline): Uncertain significance. Review status: criteria provided, multiple submitters, no conflicts (2 of 4 stars). 2 submissions from 2 submitters: Uncertain significance (2). Last evaluated 2025-09-05.

Allele frequency attached by ClinVar (database versions not stated): gnomAD 0.00001; ExAC 0.00002; TOPMed 0.00002; gnomAD exomes 0.00005; ESP Exome Variant Server 0.00008.
gnomAD v4.1: 76 of 1,610,436 alleles (0.0047%); highest among the groups gnomAD compares: Non-Finnish European, 0.006%; 1 homozygote.

Submissions (2):

Ambry Genetics
Classification: Uncertain significance. Last evaluated: 2025-09-05. Review status: criteria provided, single submitter. Criteria: Ambry Variant Classification Scheme 2023. Collection method: clinical testing. Allele origin: germline.

Labcorp Genetics (formerly Invitae), Labcorp
Classification: Uncertain significance. Last evaluated: 2024-02-14. Review status: criteria provided, single submitter. Criteria: Invitae Variant Classification Sherloc (09022015). Collection method: clinical testing. Allele origin: germline.
Comment: This sequence change replaces proline, which is neutral and non-polar, with alanine, which is neutral and non-polar, at codon 274 of the IL6ST protein (p.Pro274Ala). This variant is present in population databases (rs369630533, gnomAD 0.006%). This variant has not been reported in the literature in individuals affected with IL6ST-related conditions. ClinVar contains an entry for this variant (Variation ID: 1938697). An algorithm developed to predict the effect of missense changes on protein structure and function (PolyPhen-2) suggests that this variant is likely to be tolerated. In summary, the available evidence is currently insufficient to determine the role of this variant in disease. Therefore, it has been classified as a Variant of Uncertain Significance.

NM_002184.4(IL6ST):c.820C>G (p.Pro274Ala)

Gene: IL6ST (interleukin 6 cytokine family signal transducer; minus strand). Cytogenetic location: 5q11.2.
Variant type: single nucleotide variant.
Coding change: c.820C>G on transcript NM_002184.4 (MANE Select); coding-DNA position 820, C replaced by G.
Protein change: p.Pro274Ala; replaces proline 274 with alanine.
Molecular consequence: missense variant. On other transcripts: 5 prime UTR variant (3), non-coding transcript variant (2).
Genome position (GRCh38, 1-based): chr5:55,960,555, G>C on the plus strand (C>G on the coding strand, the complement: IL6ST is on the minus strand). VCF-style: chr5-55960555-G-C. GRCh37 (hg19) VCF-style: chr5-55256383-G-C.
Other names: c.820C>G, p.Pro274Ala (NM_001190981.2, NM_001364275.2, NM_175767.3); c.610C>G, p.Pro204Ala (NM_001364276.2); c.-94C>G (NM_001364277.2, NM_001364279.2); c.-84C>G (NM_001364278.2); short protein forms P204A, P274A.
Identifiers: ClinVar variation 1938697 (VCV001938697.7), dbSNP rs369630533, ClinGen allele CA3271595.
Genomic context (GRCh38, chr5:55,960,555, plus strand): 5'-CTGTAAAAGGTTTAAGGTCTTGGACAGTGAATGAAGATCGGGTGGATGCTGTGTCTTCAG[G>C]AGGAATCTGAAACAAAGCAAACCAAACAACAGAAAACCTCAATTAGTAAGGTCTTCTAAA-3'
Protein context (NP_002175.2, residues 264-284): KDASTWSQIP[Pro274Ala]EDTASTRSSF